The following is an entry in ClinVar:

NM_004523.4(KIF11):c.436A>T (p.Lys146Ter)

Gene: KIF11 (kinesin family member 11; plus strand). Cytogenetic location: 10q23.33.
Variant type: single nucleotide variant.
Coding change: c.436A>T on transcript NM_004523.4 (MANE Select); coding-DNA position 436, A replaced by T.
Protein change: p.Lys146Ter; replaces lysine 146 with a stop codon.
Molecular consequence: nonsense.
Genome position (GRCh38, 1-based): chr10:92,609,068, A>T. VCF-style: chr10-92609068-A-T. GRCh37 (hg19) VCF-style: chr10-94368825-A-T.
Other names: short protein forms K146*.
Identifiers: ClinVar variation 211274 (VCV000211274.8), dbSNP rs797045650, ClinGen allele CA206232.

ClinVar aggregate classification (germline): Pathogenic. Review status: criteria provided, multiple submitters, no conflicts (2 of 4 stars). 2 submissions from 2 submitters: Pathogenic (2). Last evaluated 2025-01-13.

Conditions:
Microcephaly with or without chorioretinopathy, lymphedema, or impaired intellectual development. Also called: MICROCEPHALY AND CHORIORETINOPATHY WITH OR WITHOUT MENTAL RETARDATION, AUTOSOMAL DOMINANT; Microcephaly with or without chorioretinopathy, lymphedema, or intellectual disability; MICROCEPHALY, LYMPHEDEMA, CHORIORETINAL DYSPLASIA SYNDROME; Microcephaly with or without chorioretinopathy, lymphedema, or mental retardation; Microcephaly lymphedema chorioretinal dysplasia. Identifiers: Orphanet 2526, MedGen C1835265, MONDO:0007918, OMIM 152950.

Submissions (2):

Labcorp Genetics (formerly Invitae), Labcorp
Classification: Pathogenic. Last evaluated: 2025-01-13. Review status: criteria provided, single submitter. Criteria: Invitae Variant Classification Sherloc (09022015). Collection method: clinical testing. Allele origin: germline.
Comment: This sequence change creates a premature translational stop signal (p.Lys146*) in the KIF11 gene. It is expected to result in an absent or disrupted protein product. Loss-of-function variants in KIF11 are known to be pathogenic (PMID: 22284827, 24281367). This variant is not present in population databases (gnomAD no frequency). This premature translational stop signal has been observed in individual(s) with clinical features of KIF11-related conditions (PMID: 25934493). ClinVar contains an entry for this variant (Variation ID: 211274). Algorithms developed to predict the effect of sequence changes on RNA splicing suggest that this variant may disrupt the consensus splice site. For these reasons, this variant has been classified as Pathogenic.

Genetic Services Laboratory, University of Chicago
Classification: Pathogenic for Microcephaly with or without chorioretinopathy, lymphedema, or mental retardation. Last evaluated: 2015-05-28. Review status: criteria provided, single submitter. Criteria: ACMG Guidelines, 2015. Collection method: clinical testing. Allele origin: germline. Affected: yes.

Literature cited by the submitters: PubMed 22284827 (cited by Labcorp Genetics (formerly Invitae), Labcorp); PubMed 24281367 (cited by Labcorp Genetics (formerly Invitae), Labcorp); PubMed 25934493 (cited by Labcorp Genetics (formerly Invitae), Labcorp).